The following is an entry in ClinVar:

NM_000256.3(MYBPC3):c.1329T>A (p.Cys443Ter)

Gene: MYBPC3 (myosin binding protein C3; minus strand). Cytogenetic location: 11p11.2.
Variant type: single nucleotide variant.
Coding change: c.1329T>A on transcript NM_000256.3 (MANE Select); coding-DNA position 1329, T replaced by A.
Protein change: p.Cys443Ter; replaces cysteine 443 with a stop codon.
Molecular consequence: nonsense.
Genome position (GRCh38, 1-based): chr11:47,343,043, A>T on the plus strand (T>A on the coding strand, the complement: MYBPC3 is on the minus strand). VCF-style: chr11-47343043-A-T. GRCh37 (hg19) VCF-style: chr11-47364594-A-T.
Other names: short protein forms C443*.
Identifiers: ClinVar variation 2505346 (VCV002505346.2), dbSNP rs2495764042, ClinGen allele CA380326848.

ClinVar aggregate classification (germline): Likely pathogenic (1 of 4 stars; one submission).

Conditions:
Hypertrophic cardiomyopathy 4. Also called: Familial hypertrophic cardiomyopathy 4. Identifiers: MedGen C1861862, MONDO:0007268, OMIM 115197.

Submission:

Diagnostics Services (NGS), CSIR - Centre For Cellular And Molecular Biology
Classification: Likely pathogenic for Hypertrophic cardiomyopathy 4. Last evaluated: 2023-05-30. Review status: criteria provided, single submitter. Criteria: ACMG Guidelines, 2015. Collection method: clinical testing. Allele origin: unknown. Affected: yes. Observed: 1 variant allele, 1 heterozygote.
Comment: The c.1329T>A variant is not present in publicly available population databases like 1000 Genomes, ExAC, EVS, Indian Exome Database or our in-house exome database. The variant has neither been published in literature nor reported to clinical databases like ClinVar, Human Gene Mutation Database (HGMD) or OMIM, in any affected individuals. In-silico pathogenicity prediction programs like MutationTaster2, CADD, Varsome, Franklin etc predicted this variant to be likely deleterious. This variant creates a premature translational stop signal at the 443rd amino acid position of the transcript that may either result in translation of a truncated protein or cause nonsense mediated decay of the mRNA.